The following is an entry in ClinVar:

ClinVar aggregate classification (germline): Uncertain significance. Review status: criteria provided, multiple submitters, no conflicts (2 of 4 stars). 2 submissions from 2 submitters: Uncertain significance (2). Last evaluated 2022-06-07.

Allele frequency attached by ClinVar (database versions not stated): gnomAD 0.00011; TOPMed 0.00012; ExAC 0.00011; gnomAD exomes 0.00022.

Submissions (2):

Labcorp Genetics (formerly Invitae), Labcorp
Classification: Uncertain significance. Last evaluated: 2022-06-07. Review status: criteria provided, single submitter. Criteria: Invitae Variant Classification Sherloc (09022015). Collection method: clinical testing. Allele origin: germline.
Comment: This sequence change replaces methionine, which is neutral and non-polar, with leucine, which is neutral and non-polar, at codon 1053 of the C5 protein (p.Met1053Leu). This variant is present in population databases (rs17609, gnomAD 0.02%). This variant has not been reported in the literature in individuals affected with C5-related conditions. Algorithms developed to predict the effect of missense changes on protein structure and function output the following: SIFT: "Tolerated"; PolyPhen-2: "Benign"; Align-GVGD: "Class C0". The leucine amino acid residue is found in multiple mammalian species, which suggests that this missense change does not adversely affect protein function. In summary, the available evidence is currently insufficient to determine the role of this variant in disease. Therefore, it has been classified as a Variant of Uncertain Significance.

Ambry Genetics
Classification: Uncertain significance. Last evaluated: 2021-08-02. Review status: criteria provided, single submitter. Criteria: Ambry Variant Classification Scheme 2023. Collection method: clinical testing. Allele origin: germline.

NM_001735.3(C5):c.3157A>T (p.Met1053Leu)

Gene: C5 (complement C5; minus strand). Cytogenetic location: 9q33.2.
Variant type: single nucleotide variant.
Coding change: c.3157A>T on transcript NM_001735.3 (MANE Select); coding-DNA position 3157, A replaced by T.
Protein change: p.Met1053Leu; replaces methionine 1053 with leucine.
Molecular consequence: missense variant.
Genome position (GRCh38, 1-based): chr9:120,989,119, T>A on the plus strand (A>T on the coding strand, the complement: C5 is on the minus strand). VCF-style: chr9-120989119-T-A. GRCh37 (hg19) VCF-style: chr9-123751397-T-A.
Other names: c.3175A>T, p.Met1059Leu (NM_001317163.2); short protein forms M1053L, M1059L.
Identifiers: ClinVar variation 2058406 (VCV002058406.2), dbSNP rs17609, ClinGen allele CA5217548.